The following is an entry in ClinVar:

NM_000141.5(FGFR2):c.799T>C (p.Ser267Pro)

Gene: FGFR2 (fibroblast growth factor receptor 2; minus strand). Cytogenetic location: 10q26.13.
Variant type: single nucleotide variant.
Coding change: c.799T>C on transcript NM_000141.5 (MANE Select); coding-DNA position 799, T replaced by C.
Protein change: p.Ser267Pro; replaces serine 267 with proline.
Molecular consequence: missense variant. On other transcripts: non-coding transcript variant (1), intron variant (1).
Genome position (GRCh38, 1-based): chr10:121,520,119, A>G on the plus strand (T>C on the coding strand, the complement: FGFR2 is on the minus strand). VCF-style: chr10-121520119-A-G. GRCh37 (hg19) VCF-style: chr10-123279633-A-G.
Other names: c.799T>C, p.Ser267Pro (NM_001144913.1, NM_001144917.2, NM_001320658.2 and 1 more transcripts); c.532T>C, p.Ser178Pro (NM_001144915.2, NM_001144919.2, NM_023029.3); c.454T>C, p.Ser152Pro (NM_001144916.2, NM_001144918.2); c.115T>C, p.Ser39Pro (NM_001320654.2); c.749-4800T>C (NM_001144914.1); short protein forms S267P, S152P, S178P, S39P.
Identifiers: ClinVar variation 13290 (VCV000013290.21), dbSNP rs121918505, ClinGen allele CA210548.
Genomic context (GRCh38, chr10:121,520,119, plus strand): 5'-GGGGCTGGGCATCACTGTAAACCTTGCAGACAAACTCTACGTCTCCTCCGACCACTGTGG[A>G]GGCATTTGCCGGCAGTCCGGCTTGGAGGATGGGCCGGTGAGGCGATCGCTCTGGTGGAGA-3'
Protein context (NP_000132.3, residues 257-277): ILQAGLPANA[Ser267Pro]TVVGGDVEFV

ClinVar aggregate classification (germline): Pathogenic. Review status: criteria provided, multiple submitters, no conflicts (2 of 4 stars). 8 submissions from 7 submitters: Pathogenic (5). 3 of the submissions do not count toward it. Last evaluated 2025-07-06.

Conditions:
Gastric cancer. Also called: Stomach cancer; Malignant tumor of stomach. Identifiers: MedGen C0024623, MeSH D013274, MONDO:0001056, OMIM 613659, HP:0012126.
FGFR2-related craniosynostosis. Identifiers: MedGen CN231480.
Pfeiffer syndrome (ACS5). Also called: ACS V. Identifiers: Orphanet 710, MedGen C0220658, MONDO:0007043, OMIM 101600.
Crouzon syndrome. Also called: CRANIOFACIAL DYSOSTOSIS, TYPE I; Craniofacial dysostosis; Craniofacial dysostosis type 1; Crouzon craniofacial dysostosis; Crouzon disease. Identifiers: Orphanet 207, MedGen C0010273, MeSH D003394, MONDO:0007405, OMIM 123500, HP:0004439.

Submissions (8):

Labcorp Genetics (formerly Invitae), Labcorp
Classification: Pathogenic for FGFR2-related craniosynostosis. Last evaluated: 2025-07-06. Review status: criteria provided, single submitter. Criteria: Invitae Variant Classification Sherloc (09022015). Collection method: clinical testing. Allele origin: germline.
Comment: This sequence change replaces serine, which is neutral and polar, with proline, which is neutral and non-polar, at codon 267 of the FGFR2 protein (p.Ser267Pro). This variant is not present in population databases (gnomAD no frequency). This missense change has been observed in individual(s) with Crouzon syndrome and/or Pfeiffer syndrome (PMID: 7655462, 10394936, 11781872, 16418739, 23348274, 24127277, 25759927). In at least one individual the variant was observed to be de novo. This variant is also known as 811T>C. ClinVar contains an entry for this variant (Variation ID: 13290). Invitae Evidence Modeling of protein sequence and biophysical properties (such as structural, functional, and spatial information, amino acid conservation, physicochemical variation, residue mobility, and thermodynamic stability) indicates that this missense variant is not expected to disrupt FGFR2 protein function with a negative predictive value of 80%. Experimental studies have shown that this missense change affects FGFR2 function (PMID: 9700203). For these reasons, this variant has been classified as Pathogenic.

Victorian Clinical Genetics Services, Murdoch Childrens Research Institute
Classification: Pathogenic for Crouzon syndrome. Last evaluated: 2025-05-21. Review status: criteria provided, single submitter. Criteria: ACMG Guidelines, 2015. Collection method: clinical testing. Allele origin: germline. Affected: yes.
Comment: This variant is classified as Pathogenic. Evidence in support of pathogenic classification: Variant is absent from gnomAD (v2, v3 and v4); This variant has strong previous evidence of pathogenicity in unrelated individuals. This variant has been reported as pathogenic by multiple clinical laboratories in ClinVar, and has been reported in the literature in individuals with Crouzon syndrome and Pfeiffer syndrome (PMIDs: 31318164, 10394936); Additional information: Variant is predicted to result in a missense amino acid change from serine to proline; This variant is heterozygous; This gene is associated with autosomal dominant disease; Loss of function and gain of function are known mechanisms of disease in this gene and are associated with FGFR2-related disorders (PMIDs: 29848297, 32879300, 27323706); Variants in this gene are known to have variable expressivity. Variable expressivity has been reported for Crouzon syndrome (MIM#123500), whereby some relatives may have mild phenotypic manifestations and seem unaffected (PMID: 20301628).

GeneDx
Classification: Pathogenic. Last evaluated: 2024-10-03. Review status: criteria provided, single submitter. Criteria: GeneDx Variant Classification Process June 2021. Collection method: clinical testing. Allele origin: germline. Affected: yes.
Comment: Not observed at significant frequency in large population cohorts (gnomAD); In silico analysis supports that this missense variant has a deleterious effect on protein structure/function; This variant is associated with the following publications: (PMID: 23348274, 26224133, 23754559, 25759927, 11325814, 10394936, 11781872, 7655462, 9700203, 31318164, 26003532, 29230096, 29104507, 26152202, 28476232, 27002187, 26460964, 29928180, 35253369)

Institute of Human Genetics Munich, TUM University Hospital
Classification: Pathogenic for Crouzon syndrome. Last evaluated: 2019-06-06. Review status: criteria provided, single submitter. Criteria: Classification criteria August 2017. Collection method: clinical testing. Allele origin: de novo. Inheritance: Autosomal dominant inheritance. Affected: yes. Observed: 1 heterozygote.

Genomic Diagnostic Laboratory, Division of Genomic Diagnostics, Children's Hospital of Philadelphia
Classification: Pathogenic for Pfeiffer syndrome. Last evaluated: 2016-09-17. Review status: criteria provided, single submitter. Criteria: DGD Variant Analysis Guidelines. Collection method: clinical testing. Allele origin: germline. Affected: yes. Observed: 2 variant alleles.
Comment: Clinical Testing

OMIM
Classification: Pathogenic for PFEIFFER SYNDROME. Last evaluated: 2001-05-01. Review status: no assertion criteria provided. Collection method: literature only. Allele origin: unknown. Not counted in ClinVar's aggregate classification.

OMIM
Classification: Pathogenic for GASTRIC CANCER, SOMATIC. Last evaluated: 2001-05-01. Review status: no assertion criteria provided. Collection method: literature only. Allele origin: somatic. Not counted in ClinVar's aggregate classification.

Bioscientia Institut fuer Medizinische Diagnostik GmbH, Sonic Healthcare
Classification: Pathogenic for Crouzon syndrome. Review status: no assertion criteria provided. Collection method: clinical testing. Allele origin: germline. Affected: yes. Not counted in ClinVar's aggregate classification.

Literature cited by the submitters: PubMed 7655462 (cited by Labcorp Genetics (formerly Invitae), Labcorp); PubMed 10394936 (cited by 3 submitters); PubMed 11781872 (cited by Labcorp Genetics (formerly Invitae), Labcorp); PubMed 16418739 (cited by Labcorp Genetics (formerly Invitae), Labcorp); PubMed 23348274 (cited by Labcorp Genetics (formerly Invitae), Labcorp); PubMed 24127277 (cited by Labcorp Genetics (formerly Invitae), Labcorp); PubMed 25759927 (cited by Labcorp Genetics (formerly Invitae), Labcorp); PubMed 9700203 (cited by Labcorp Genetics (formerly Invitae), Labcorp); PubMed 27323706 (cited by Victorian Clinical Genetics Services, Murdoch Childrens Research Institute); PubMed 31318164 (cited by Victorian Clinical Genetics Services, Murdoch Childrens Research Institute); PubMed 20301628 (cited by Victorian Clinical Genetics Services, Murdoch Childrens Research Institute); PubMed 32879300 (cited by Victorian Clinical Genetics Services, Murdoch Childrens Research Institute); PubMed 29848297 (cited by Victorian Clinical Genetics Services, Murdoch Childrens Research Institute); PubMed 11325814 (cited by OMIM).